The following is an entry in ClinVar:

ClinVar aggregate classification (germline): Uncertain significance (1 of 4 stars; one submission).

Allele frequency attached by ClinVar (database versions not stated): gnomAD exomes below 0.00001; TOPMed below 0.00001.
gnomAD v4.1: 2 of 1,614,208 alleles (0.00012%); highest among the groups gnomAD compares: Non-Finnish European, 0.000085%; no homozygotes.

Submission:

Labcorp Genetics (formerly Invitae), Labcorp
Classification: Uncertain significance. Last evaluated: 2023-08-04. Review status: criteria provided, single submitter. Criteria: Invitae Variant Classification Sherloc (09022015). Collection method: clinical testing. Allele origin: germline.
Comment: This variant is not present in population databases (gnomAD no frequency). This sequence change replaces cysteine, which is neutral and slightly polar, with tyrosine, which is neutral and polar, at codon 769 of the A2ML1 protein (p.Cys769Tyr). This variant has not been reported in the literature in individuals affected with A2ML1-related conditions. ClinVar contains an entry for this variant (Variation ID: 1059937). Algorithms developed to predict the effect of missense changes on protein structure and function output the following: SIFT: "Not Available"; PolyPhen-2: "Probably Damaging"; Align-GVGD: "Not Available". The tyrosine amino acid residue is found in multiple mammalian species, which suggests that this missense change does not adversely affect protein function. In summary, the available evidence is currently insufficient to determine the role of this variant in disease. Therefore, it has been classified as a Variant of Uncertain Significance.

NM_144670.6(A2ML1):c.2306G>A (p.Cys769Tyr)

Gene: A2ML1 (alpha-2-macroglobulin like 1; plus strand). Cytogenetic location: 12p13.31.
Variant type: single nucleotide variant.
Coding change: c.2306G>A on transcript NM_144670.6 (MANE Select); coding-DNA position 2306, G replaced by A.
Protein change: p.Cys769Tyr; replaces cysteine 769 with tyrosine.
Molecular consequence: missense variant.
Genome position (GRCh38, 1-based): chr12:8,851,855, G>A. VCF-style: chr12-8851855-G-A. GRCh37 (hg19) VCF-style: chr12-9004451-G-A.
Other names: c.833G>A, p.Cys278Tyr (NM_001282424.3); short protein forms C278Y, C769Y.
Identifiers: ClinVar variation 1059937 (VCV001059937.9), dbSNP rs1205001818, ClinGen allele CA383833214.